The following is an entry in ClinVar:

NM_000875.5(IGF1R):c.2015A>G (p.Lys672Arg)

Gene: IGF1R (insulin like growth factor 1 receptor; plus strand). Cytogenetic location: 15q26.3.
Variant type: single nucleotide variant.
Coding change: c.2015A>G on transcript NM_000875.5 (MANE Select); coding-DNA position 2015, A replaced by G.
Protein change: p.Lys672Arg; replaces lysine 672 with arginine.
Molecular consequence: missense variant.
Genome position (GRCh38, 1-based): chr15:98,916,690, A>G. VCF-style: chr15-98916690-A-G. GRCh37 (hg19) VCF-style: chr15-99459919-A-G.
Other names: c.2015A>G, p.Lys672Arg (NM_001291858.2); short protein forms K672R.
Identifiers: ClinVar variation 4985624 (VCV004985624.1).

ClinVar aggregate classification (germline): Uncertain significance (1 of 4 stars; one submission).

Conditions:
IGF1R-related disorder. Also called: IGF1R-related condition.

Submission:

PreventionGenetics, part of Exact Sciences
Classification: Uncertain significance for IGF1R-related condition. Last evaluated: 2025-03-31. Review status: criteria provided, single submitter. Criteria: ACMG Guidelines, 2015. Collection method: clinical testing. Allele origin: germline.
Comment: The IGF1R c.2015A>G variant is predicted to result in the amino acid substitution p.Lys672Arg. To our knowledge, this variant has not been reported in the literature or in a large population database (gnomAD), indicating this variant is rare. At this time, the clinical significance of this variant is uncertain due to the absence of conclusive functional and genetic evidence.